The following is an entry in ClinVar:

NM_000395.3(CSF2RB):c.2046G>C (p.Arg682Ser)

Gene: CSF2RB (colony stimulating factor 2 receptor subunit beta; plus strand). Cytogenetic location: 22q12.3.
Variant type: single nucleotide variant.
Coding change: c.2046G>C on transcript NM_000395.3 (MANE Select); coding-DNA position 2046, G replaced by C.
Protein change: p.Arg682Ser; replaces arginine 682 with serine.
Molecular consequence: missense variant.
Genome position (GRCh38, 1-based): chr22:36,937,854, G>C. VCF-style: chr22-36937854-G-C. GRCh37 (hg19) VCF-style: chr22-37333896-G-C.
Other names: c.2064G>C, p.Arg688Ser (NM_001410827.1); short protein forms R688S, R682S.
Identifiers: ClinVar variation 3497545 (VCV003497545.2).

ClinVar aggregate classification (germline): Uncertain significance. Review status: criteria provided, multiple submitters, no conflicts (2 of 4 stars). 2 submissions from 2 submitters: Uncertain significance (2). Last evaluated 2025-04-28.

Conditions:
Inborn genetic diseases. Identifiers: MedGen C0950123, MeSH D030342.

gnomAD v4.1: 6 of 1,613,782 alleles (0.00037%); highest among the groups gnomAD compares: Non-Finnish European, 0.00051%; no homozygotes.

Submissions (2):

Labcorp Genetics (formerly Invitae), Labcorp
Classification: Uncertain significance. Last evaluated: 2025-04-28. Review status: criteria provided, single submitter. Criteria: Invitae Variant Classification Sherloc (09022015). Collection method: clinical testing. Allele origin: germline.
Comment: This sequence change replaces arginine, which is basic and polar, with serine, which is neutral and polar, at codon 682 of the CSF2RB protein (p.Arg682Ser). This variant is present in population databases (rs145721314, gnomAD 0.0009%). This variant has not been reported in the literature in individuals affected with CSF2RB-related conditions. ClinVar contains an entry for this variant (Variation ID: 3497545). Invitae Evidence Modeling of protein sequence and biophysical properties (such as structural, functional, and spatial information, amino acid conservation, physicochemical variation, residue mobility, and thermodynamic stability) indicates that this missense variant is not expected to disrupt CSF2RB protein function with a negative predictive value of 80%. In summary, the available evidence is currently insufficient to determine the role of this variant in disease. Therefore, it has been classified as a Variant of Uncertain Significance.

Ambry Genetics
Classification: Uncertain significance for Inborn genetic diseases. Last evaluated: 2024-11-27. Review status: criteria provided, single submitter. Criteria: Ambry Variant Classification Scheme 2023. Collection method: clinical testing. Allele origin: germline.